The following is an entry in ClinVar:

ClinVar aggregate classification (germline): Conflicting classifications of pathogenicity. Review status: criteria provided, conflicting classifications (1 of 4 stars). 5 submissions from 5 submitters: Pathogenic (1); Likely pathogenic (3); Uncertain significance (1). Last evaluated 2025-12-05.

Conditions:
Biotinidase deficiency. Also called: BTD deficiency; Late-onset biotin-responsive multiple carboxylase deficiency; Biotin deficiency. Identifiers: Orphanet 79241, MedGen C0220754, MONDO:0009665, OMIM 253260.

Allele frequency attached by ClinVar (database versions not stated): ExAC 0.00001; gnomAD exomes 0.00001; TOPMed 0.00002.
gnomAD v4.1: 2 of 1,614,210 alleles (0.00012%); highest among the groups gnomAD compares: Admixed American, 0.0033%; no homozygotes.

Submissions (5):

Myriad Genetics, Inc.
Classification: Likely pathogenic for Biotinidase deficiency. Last evaluated: 2025-12-05. Review status: criteria provided, single submitter. Criteria: Myriad Autosomal Dominant, Autosomal Recessive and X-Linked Classification Criteria (2023). Collection method: clinical testing. Allele origin: unknown.
Comment: NM_000060.2(BTD):c.814T>G(W272G) is a missense variant classified as likely pathogenic in the context of biotinidase deficiency. W272G has been observed in cases with relevant disease (PMID: 22698809, 26810761, 39519275, 33016994). Relevant functional assessments of this variant are not available in the literature. W272G has been observed in referenced population frequency databases. In summary, NM_000060.2(BTD):c.814T>G(W272G) is a missense variant that has been observed more frequently in cases with the relevant disease than in healthy populations. Please note: this variant was assessed in the context of healthy population screening.

3billion
Classification: Likely pathogenic for Biotinidase deficiency. Last evaluated: 2023-07-31. Review status: criteria provided, single submitter. Criteria: ACMG Guidelines, 2015. Collection method: clinical testing. Allele origin: germline. Affected: yes.
Comment: The variant is observed at an extremely low frequency in the gnomAD v2.1.1 dataset (total allele frequency: 0.001%). Predicted Consequence/Location: Missense variant In silico tool predictions suggest damaging effect of the variant on gene or gene product (REVEL: 0.93; 3Cnet: 1.00). Same nucleotide change resulting in same amino acid change has been previously reported to be associated with BTD-related disorder (ClinVar ID: VCV000025043 /3billion dataset). The variant has been reported to be in trans with a pathogenic variant as either compound heterozygous or homozygous in at least one similarly affected unrelated individual (PMID: 22698809). Therefore, this variant is classified as Likely pathogenic according to the recommendation of ACMG/AMP guideline.

Labcorp Genetics (formerly Invitae), Labcorp
Classification: Pathogenic for Biotinidase deficiency. Last evaluated: 2023-05-03. Review status: criteria provided, single submitter. Criteria: Invitae Variant Classification Sherloc (09022015). Collection method: clinical testing. Allele origin: germline.
Comment: ClinVar contains an entry for this variant (Variation ID: 25043). This missense change has been observed in individual(s) with biotinidase deficiency (PMID: 22698809; Invitae). In at least one individual the data is consistent with being in trans (on the opposite chromosome) from a pathogenic variant. This variant is present in population databases (rs397514387, gnomAD 0.006%). This sequence change replaces tryptophan, which is neutral and slightly polar, with glycine, which is neutral and non-polar, at codon 272 of the BTD protein (p.Trp272Gly). Advanced modeling of protein sequence and biophysical properties (such as structural, functional, and spatial information, amino acid conservation, physicochemical variation, residue mobility, and thermodynamic stability) performed at Invitae indicates that this missense variant is expected to disrupt BTD protein function. For these reasons, this variant has been classified as Pathogenic.

Baylor Genetics
Classification: Likely pathogenic for Biotinidase deficiency. Last evaluated: 2022-06-07. Review status: criteria provided, single submitter. Criteria: ACMG Guidelines, 2015. Collection method: clinical testing. Allele origin: unknown.

Blueprint Genetics
Classification: Uncertain significance. Last evaluated: 2021-06-07. Review status: criteria provided, single submitter. Criteria: ACMG Guidelines, 2015. Collection method: clinical testing. Allele origin: germline.

Literature cited by the submitters: PubMed 22698809 (cited by 3 submitters); PubMed 26810761 (cited by Myriad Genetics, Inc.); PubMed 33016994 (cited by Myriad Genetics, Inc.); PubMed 39519275 (cited by Myriad Genetics, Inc.).

NM_001370658.1(BTD):c.754T>G (p.Trp252Gly)

Gene: BTD (biotinidase; plus strand). Cytogenetic location: 3p25.1.
Variant type: single nucleotide variant.
Coding change: c.754T>G on transcript NM_001370658.1 (MANE Select); coding-DNA position 754, T replaced by G.
Protein change: p.Trp252Gly; replaces tryptophan 252 with glycine.
Molecular consequence: missense variant. On other transcripts: intron variant (1).
Genome position (GRCh38, 1-based): chr3:15,644,670, T>G. VCF-style: chr3-15644670-T-G. GRCh37 (hg19) VCF-style: chr3-15686177-T-G.
Other names: c.814T>G, p.Trp272Gly (NM_000060.4); c.754T>G, p.Trp252Gly (NM_001281723.4, NM_001281724.3, NM_001281725.3 and 18 more transcripts); c.399+2613T>G (NM_001370753.1); short protein forms W252G.
Identifiers: ClinVar variation 25043 (VCV000025043.15), dbSNP rs397514387, ClinGen allele CA278262.